The following is an entry in ClinVar:

NM_001164508.2(NEB):c.6562del (p.Glu2188fs)

Gene: NEB (nebulin; minus strand). Cytogenetic location: 2q23.3.
Variant type: Deletion.
Coding change: c.6562del on transcript NM_001164508.2 (MANE Select); coding-DNA position 6562, one base deleted (G; older notation c.6562delG).
Protein change: p.Glu2188fs; shifts the reading frame from glutamic acid 2188.
Molecular consequence: frameshift variant.
Genome position (GRCh38, 1-based): chr2:151,655,957, C deleted on the plus strand (G on the coding strand, the reverse complement: NEB is on the minus strand); the first of 2 consecutive C bases (chr2:151,655,957-151,655,958); deleting either gives the same sequence. VCF-style (leftmost placement, unchanged base first): chr2-151655956-TC-T. GRCh37 (hg19) VCF-style: chr2-152512470-TC-T.
Other names: NM_001164508.2(NEB):c.6562del; p.Glu2188fs; c.6562del, p.Glu2188fs (NM_001164507.2, NM_001271208.2, NM_004543.5); short protein forms E2188fs.
Identifiers: ClinVar variation 1073671 (VCV001073671.9), dbSNP rs1558883594, ClinGen allele CA537030560.

ClinVar aggregate classification (germline): Pathogenic/Likely pathogenic. Review status: criteria provided, multiple submitters, no conflicts (2 of 4 stars). 2 submissions from 2 submitters: Pathogenic (1); Likely pathogenic (1). Last evaluated 2025-03-18.

Conditions:
Nemaline myopathy. Also called: Myopathies, Nemaline. Identifiers: Orphanet 607, MedGen C0206157, MONDO:0018958.
Nemaline myopathy 2 (NEM2). Also called: Nemaline myopathy 2, autosomal recessive. Identifiers: MedGen C1850569, MONDO:0009725, OMIM 256030.

Submissions (2):

Broad Center for Mendelian Genomics, Broad Institute of MIT and Harvard
Classification: Likely pathogenic for Nemaline myopathy. Last evaluated: 2025-03-18. Review status: criteria provided, single submitter. Criteria: ACMG Guidelines, 2015. Collection method: curation. Allele origin: germline. Inheritance: Autosomal recessive inheritance.
Comment: The p.Glu2188LysfsTer29 variant in NEB has not been previously reported in the literature in individuals with nemaline myopathy, but has been identified in 0.004% (2/44886) of East Asian chromosomes by the Genome Aggregation Database (gnomAD; dbSNP ID: rs1233126664). Although this variant has been seen in the general population in a heterozygous state, its frequency is low enough to be consistent with a recessive carrier frequency. This variant has also been reported in ClinVar (Variation ID: 1073671) and has been interpreted as pathogenic by Invitae. This variant is predicted to cause a frameshift, which alters the protein‚Äôs amino acid sequence beginning at position 2188 and leads to a premature termination codon 29 amino acids downstream. This alteration is then predicted to lead to a truncated or absent protein. In summary, although additional studies are required to fully establish its clinical significance, this variant is likely pathogenic for autosomal recessive nemaline myopathy. ACMG/AMP Criteria applied: PVS1, PM2_supporting (Richards 2015).

Labcorp Genetics (formerly Invitae), Labcorp
Classification: Pathogenic for Nemaline myopathy 2. Last evaluated: 2022-11-28. Review status: criteria provided, single submitter. Criteria: Invitae Variant Classification Sherloc (09022015). Collection method: clinical testing. Allele origin: germline.
Comment: This sequence change creates a premature translational stop signal (p.Glu2188Lysfs*29) in the NEB gene. It is expected to result in an absent or disrupted protein product. Loss-of-function variants in NEB are known to be pathogenic (PMID: 25205138). This variant is present in population databases (no rsID available, gnomAD 0.01%). This variant has not been reported in the literature in individuals affected with NEB-related conditions. ClinVar contains an entry for this variant (Variation ID: 1073671). For these reasons, this variant has been classified as Pathogenic.

Literature cited by the submitters: PubMed 25205138 (cited by Labcorp Genetics (formerly Invitae), Labcorp).